The following is an entry in ClinVar:

NM_006030.4(CACNA2D2):c.1734C>G (p.Asp578Glu)

Gene: CACNA2D2 (calcium voltage-gated channel auxiliary subunit alpha2delta 2; minus strand). Cytogenetic location: 3p21.31.
Variant type: single nucleotide variant.
Coding change: c.1734C>G on transcript NM_006030.4 (MANE Select); coding-DNA position 1734, C replaced by G.
Protein change: p.Asp578Glu; replaces aspartic acid 578 with glutamic acid.
Molecular consequence: missense variant.
Genome position (GRCh38, 1-based): chr3:50,376,002, G>C on the plus strand (C>G on the coding strand, the complement: CACNA2D2 is on the minus strand). VCF-style: chr3-50376002-G-C. GRCh37 (hg19) VCF-style: chr3-50413433-G-C.
Other names: c.1734C>G, p.Asp578Glu (NM_001005505.3, NM_001174051.3, NM_001410768.1); c.1527C>G, p.Asp509Glu (NM_001291101.1); short protein forms D509E, D578E.
Identifiers: ClinVar variation 2016901 (VCV002016901.4), dbSNP rs1482667522, ClinGen allele CA352924939.

ClinVar aggregate classification (germline): Uncertain significance (1 of 4 stars; one submission).

Conditions:
Early-infantile DEE. Also called: Early infantile epileptic encephalopathy; Ohtahara syndrome; Early infantile epileptic encephalopathy with suppression bursts. Identifiers: Orphanet 1934, MedGen C0393706, MONDO:0800491.

Submission:

Labcorp Genetics (formerly Invitae), Labcorp
Classification: Uncertain significance for Early-infantile DEE. Last evaluated: 2024-03-04. Review status: criteria provided, single submitter. Criteria: Invitae Variant Classification Sherloc (09022015). Collection method: clinical testing. Allele origin: germline.
Comment: This sequence change replaces aspartic acid, which is acidic and polar, with glutamic acid, which is acidic and polar, at codon 578 of the CACNA2D2 protein (p.Asp578Glu). This variant is not present in population databases (gnomAD no frequency). This variant has not been reported in the literature in individuals affected with CACNA2D2-related conditions. ClinVar contains an entry for this variant (Variation ID: 2016901). An algorithm developed to predict the effect of missense changes on protein structure and function (PolyPhen-2) suggests that this variant is likely to be disruptive. In summary, the available evidence is currently insufficient to determine the role of this variant in disease. Therefore, it has been classified as a Variant of Uncertain Significance.